The following is an entry in ClinVar:

ClinVar aggregate classification (germline): Conflicting classifications of pathogenicity. Review status: criteria provided, conflicting classifications (1 of 4 stars). 2 submissions from 2 submitters: Uncertain significance (1); Likely benign (1). Last evaluated 2025-04-08.

Conditions:
Melanoma, cutaneous malignant, susceptibility to, 5. Also called: Cutaneous malignant melanoma 5. Identifiers: Orphanet 618, MedGen C2751295, MONDO:0013133, OMIM 613099.

Allele frequency attached by ClinVar (database versions not stated): gnomAD 0.00003 and 0.00004; TOPMed 0.00003; gnomAD exomes 0.00004 and 0.00007; ExAC 0.00006; ESP Exome Variant Server 0.00008.
gnomAD v4.1: 101 of 1,612,916 alleles (0.0063%); highest among the groups gnomAD compares: Admixed American, 0.01%; no homozygotes.

Submissions (2):

Labcorp Genetics (formerly Invitae), Labcorp
Classification: Uncertain significance for Melanoma, cutaneous malignant, susceptibility to, 5. Last evaluated: 2025-04-08. Review status: criteria provided, single submitter. Criteria: Invitae Variant Classification Sherloc (09022015). Collection method: clinical testing. Allele origin: germline.
Comment: This sequence change replaces arginine, which is basic and polar, with glutamine, which is neutral and polar, at codon 34 of the MC1R protein (p.Arg34Gln). The frequency data for this variant in the population databases is considered unreliable, as metrics indicate poor data quality at this position in the gnomAD database. This variant has not been reported in the literature in individuals affected with MC1R-related conditions. ClinVar contains an entry for this variant (Variation ID: 321418). An algorithm developed to predict the effect of missense changes on protein structure and function (PolyPhen-2) suggests that this variant is likely to be tolerated. In summary, the available evidence is currently insufficient to determine the role of this variant in disease. Therefore, it has been classified as a Variant of Uncertain Significance.

Illumina Laboratory Services, Illumina
Classification: Likely benign for Melanoma, cutaneous malignant, susceptibility to, 5. Last evaluated: 2018-01-12. Review status: criteria provided, single submitter. Criteria: ICSL Variant Classification Criteria 13 December 2019. Collection method: clinical testing. Allele origin: germline.
Comment: This variant was observed in the ICSL laboratory as part of a predisposition screen in an ostensibly healthy population. It had not been previously curated by ICSL or reported in the Human Gene Mutation Database (HGMD: prior to June 1st, 2018), and was therefore a candidate for classification through an automated scoring system. Utilizing variant allele frequency, disease prevalence and penetrance estimates, and inheritance mode, an automated score was calculated to assess if this variant is too frequent to cause the disease. Based on the score and internal cut-off values, a variant classified as likely benign is not then subjected to further curation. The score for this variant resulted in a classification of likely benign for this disease.

NM_002386.4(MC1R):c.101G>A (p.Arg34Gln)

Gene: MC1R (melanocortin 1 receptor; plus strand). Cytogenetic location: 16q24.3.
Variant type: single nucleotide variant.
Coding change: c.101G>A on transcript NM_002386.4 (MANE Select); coding-DNA position 101, G replaced by A.
Protein change: p.Arg34Gln; replaces arginine 34 with glutamine.
Molecular consequence: missense variant.
Genome position (GRCh38, 1-based): chr16:89,919,359, G>A. VCF-style: chr16-89919359-G-A. GRCh37 (hg19) VCF-style: chr16-89985767-G-A.
Other names: short protein forms R34Q.
Identifiers: ClinVar variation 321418 (VCV000321418.15), dbSNP rs369016553, ClinGen allele CA8255483.